The following is an entry in ClinVar:

NM_000038.6(APC):c.2387A>G (p.Tyr796Cys)

Gene: APC (APC regulator of Wnt signaling pathway; plus strand). Cytogenetic location: 5q22.2.
Variant type: single nucleotide variant.
Coding change: c.2387A>G on transcript NM_000038.6 (MANE Select); coding-DNA position 2387, A replaced by G.
Protein change: p.Tyr796Cys; replaces tyrosine 796 with cysteine.
Molecular consequence: missense variant.
Genome position (GRCh38, 1-based): chr5:112,837,981, A>G. VCF-style: chr5-112837981-A-G. GRCh37 (hg19) VCF-style: chr5-112173678-A-G.
Other names: c.2387A>G, p.Tyr796Cys (NM_001127510.3, NM_001354895.2); c.2333A>G, p.Tyr778Cys (NM_001127511.3); c.2441A>G, p.Tyr814Cys (NM_001354896.2); c.2417A>G, p.Tyr806Cys (NM_001354897.2); c.2312A>G, p.Tyr771Cys (NM_001354898.2); c.2303A>G, p.Tyr768Cys (NM_001354899.2); c.2264A>G, p.Tyr755Cys (NM_001354900.2); c.2210A>G, p.Tyr737Cys (NM_001354901.2); and 5 more; short protein forms Y670C, Y806C, Y513C, Y636C, Y695C, Y814C, Y771C, Y705C.
Identifiers: ClinVar variation 845445 (VCV000845445.17), dbSNP rs1765168531, ClinGen allele CA16026577.

ClinVar aggregate classification (germline): Uncertain significance. Review status: criteria provided, multiple submitters, no conflicts (2 of 4 stars). 4 submissions from 4 submitters: Uncertain significance (4). Last evaluated 2025-08-11.

Conditions:
Familial adenomatous polyposis 1 (FAP1). Also called: FAMILIAL ADENOMATOUS POLYPOSIS 1, ATTENUATED; POLYPOSIS, ADENOMATOUS INTESTINAL. Identifiers: MedGen C2713442, MONDO:0021056, OMIM 175100. Disease mechanism: loss of function.
Hereditary cancer-predisposing syndrome. Also called: Tumor predisposition; Hereditary neoplastic syndrome; Neoplastic Syndromes, Hereditary; Hereditary Cancer Syndrome. Identifiers: Orphanet 140162, MedGen C0027672, MeSH D009386, MONDO:0015356.

gnomAD v4.1: 7 of 1,614,174 alleles (0.00043%); highest among the groups gnomAD compares: South Asian, 0.0044%; no homozygotes.

Submissions (4):

Ambry Genetics
Classification: Uncertain significance for Hereditary cancer-predisposing syndrome. Last evaluated: 2025-08-11. Review status: criteria provided, single submitter. Criteria: Ambry Variant Classification Scheme 2023. Collection method: clinical testing. Allele origin: germline.
Comment: The p.Y796C variant (also known as c.2387A>G), located in coding exon 15 of the APC gene, results from an A to G substitution at nucleotide position 2387. The tyrosine at codon 796 is replaced by cysteine, an amino acid with highly dissimilar properties. This amino acid position is highly conserved in available vertebrate species. In addition, in silico predictors for this gene do not accurately predict pathogenicity. Since supporting evidence is limited at this time, the clinical significance of this alteration remains unclear.

Labcorp Genetics (formerly Invitae), Labcorp
Classification: Uncertain significance for Familial adenomatous polyposis 1. Last evaluated: 2024-10-16. Review status: criteria provided, single submitter. Criteria: Invitae Variant Classification Sherloc (09022015). Collection method: clinical testing. Allele origin: germline.
Comment: This sequence change replaces tyrosine, which is neutral and polar, with cysteine, which is neutral and slightly polar, at codon 796 of the APC protein (p.Tyr796Cys). This variant is not present in population databases (gnomAD no frequency). This variant has not been reported in the literature in individuals affected with APC-related conditions. ClinVar contains an entry for this variant (Variation ID: 845445). Invitae Evidence Modeling of protein sequence and biophysical properties (such as structural, functional, and spatial information, amino acid conservation, physicochemical variation, residue mobility, and thermodynamic stability) indicates that this missense variant is not expected to disrupt APC protein function with a negative predictive value of 95%. In summary, the available evidence is currently insufficient to determine the role of this variant in disease. Therefore, it has been classified as a Variant of Uncertain Significance.

GeneDx
Classification: Uncertain significance. Last evaluated: 2023-05-19. Review status: criteria provided, single submitter. Criteria: GeneDx Variant Classification Process June 2021. Collection method: clinical testing. Allele origin: germline. Affected: yes.
Comment: Not observed at significant frequency in large population cohorts (gnomAD); In silico analysis supports that this missense variant does not alter protein structure/function; Has not been previously published as pathogenic or benign to our knowledge

Color Diagnostics, LLC DBA Color Health
Classification: Uncertain significance for Hereditary cancer-predisposing syndrome. Last evaluated: 2022-07-26. Review status: criteria provided, single submitter. Criteria: ACMG Guidelines, 2015. Collection method: clinical testing. Allele origin: germline.
Comment: This missense variant replaces tyrosine with cysteine at codon 796 of the APC protein. Computational prediction suggests that this variant may not impact protein structure and function (internally defined REVEL score threshold <= 0.5, PMID: 27666373). To our knowledge, functional studies have not been reported for this variant. This variant has not been reported in individuals affected with hereditary cancer in the literature. This variant has not been identified in the general population by the Genome Aggregation Database (gnomAD). The available evidence is insufficient to determine the role of this variant in disease conclusively. Therefore, this variant is classified as a Variant of Uncertain Significance.